The following is an entry in ClinVar:

NM_006445.4(PRPF8):c.2478A>G (p.Pro826=)

Gene: PRPF8 (pre-mRNA processing factor 8; minus strand). Cytogenetic location: 17p13.3.
Variant type: single nucleotide variant.
Coding change: c.2478A>G on transcript NM_006445.4 (MANE Select); coding-DNA position 2478, A replaced by G.
Protein change: p.Pro826=; no amino-acid change (proline 826 retained).
Molecular consequence: synonymous variant.
Genome position (GRCh38, 1-based): chr17:1,676,281, T>C on the plus strand (A>G on the coding strand, the complement: PRPF8 is on the minus strand). VCF-style: chr17-1676281-T-C. GRCh37 (hg19) VCF-style: chr17-1579575-T-C.
Identifiers: ClinVar variation 1153862 (VCV001153862.12), dbSNP rs140454139, ClinGen allele CA8272115.

ClinVar aggregate classification (germline): Likely benign. Review status: criteria provided, multiple submitters, no conflicts (2 of 4 stars). 3 submissions from 3 submitters: Likely benign (3). Last evaluated 2026-02-01.

Allele frequency attached by ClinVar (database versions not stated): gnomAD 0.00004; gnomAD exomes 0.00004 and 0.00006; TOPMed 0.00005; ExAC 0.00007; ESP Exome Variant Server 0.00008.
gnomAD v4.1: 86 of 1,613,902 alleles (0.0053%); highest among the groups gnomAD compares: Non-Finnish European, 0.0071%; no homozygotes.

Submissions (3):

CeGaT Center for Human Genetics Tuebingen
Classification: Likely benign. Last evaluated: 2026-02-01. Review status: criteria provided, single submitter. Criteria: CeGaT Center For Human Genetics Tuebingen Variant Classification Criteria Version 2. Collection method: clinical testing. Allele origin: germline. Affected: yes. Observed: 1 variant allele.
Comment: PRPF8: BP4, BP7

Blueprint Genetics
Classification: Likely benign. Last evaluated: 2024-03-21. Review status: criteria provided, single submitter. Criteria: ACMG Guidelines, 2015. Collection method: clinical testing. Allele origin: germline.

Labcorp Genetics (formerly Invitae), Labcorp
Classification: Likely benign. Last evaluated: 2024-02-03. Review status: criteria provided, single submitter. Criteria: Invitae Variant Classification Sherloc (09022015). Collection method: clinical testing. Allele origin: germline.